The following is an entry in ClinVar:

ClinVar aggregate classification (germline): Likely benign (0 of 4 stars; one submission).

Conditions:
CDH15-related disorder. Also called: CDH15-related condition.

gnomAD v4.1: 4 of 1,529,842 alleles (0.00026%); highest among the groups gnomAD compares: Non-Finnish European, 0.00035%; no homozygotes.

Submission:

PreventionGenetics, part of Exact Sciences
Classification: Likely benign for CDH15-related condition. Last evaluated: 2019-06-06. Review status: no assertion criteria provided. Collection method: clinical testing. Allele origin: germline.
Comment: This variant is classified as likely benign based on ACMG/AMP sequence variant interpretation guidelines (Richards et al. 2015 PMID: 25741868, with internal and published modifications).

NM_004933.3(CDH15):c.1653C>T (p.Pro551=)

Gene: CDH15 (cadherin 15; plus strand). Cytogenetic location: 16q24.3.
Variant type: single nucleotide variant.
Coding change: c.1653C>T on transcript NM_004933.3 (MANE Select); coding-DNA position 1653, C replaced by T.
Protein change: p.Pro551=; no amino-acid change (proline 551 retained).
Molecular consequence: synonymous variant.
Genome position (GRCh38, 1-based): chr16:89,192,242, C>T. VCF-style: chr16-89192242-C-T. GRCh37 (hg19) VCF-style: chr16-89258650-C-T.
Identifiers: ClinVar variation 3044669 (VCV003044669.2), dbSNP rs1195088315, ClinGen allele CA497149071.
Genomic context (GRCh38, chr16:89,192,242, plus strand): 5'-CTCACCACAGGCGCCCTCCGCAGTGAGCCACGCGCGCCTGCGGCCGCGACACCAGGTCCC[C>T]GAAGGCCTGCACCGCCTCAGCCTGCTGCTCCGGGACTCGGGGCAGCCGCCCCAGCAGCGC-3'
Protein context (NP_004924.1, residues 541-561): HARLRPRHQV[Pro551=]EGLHRLSLLL